The following is an entry in ClinVar:

NM_004260.4(RECQL4):c.3373C>T (p.Pro1125Ser)

Gene: RECQL4 (RecQ like helicase 4; minus strand). Cytogenetic location: 8q24.3.
Variant type: single nucleotide variant.
Coding change: c.3373C>T on transcript NM_004260.4 (MANE Select); coding-DNA position 3373, C replaced by T.
Protein change: p.Pro1125Ser; replaces proline 1125 with serine.
Molecular consequence: missense variant.
Genome position (GRCh38, 1-based): chr8:144,511,931, G>A on the plus strand (C>T on the coding strand, the complement: RECQL4 is on the minus strand). VCF-style: chr8-144511931-G-A. GRCh37 (hg19) VCF-style: chr8-145737314-G-A.
Other names: c.3079C>T, p.Pro1027Ser (NM_001413017.1); c.3175C>T, p.Pro1059Ser (NM_001413018.1); c.3448C>T, p.Pro1150Ser (NM_001413019.1); c.3277C>T, p.Pro1093Ser (NM_001413020.1); c.2302C>T, p.Pro768Ser (NM_001413021.1, NM_001413022.1, NM_001413024.1 and 4 more transcripts); c.2377C>T, p.Pro793Ser (NM_001413023.1); c.3244C>T, p.Pro1082Ser (NM_001413025.1); c.2236C>T, p.Pro746Ser (NM_001413027.1, NM_001413030.1, NM_001413032.1); and 10 more; short protein forms P1008S, P1027S, P1059S, P1081S, P1082S, P1093S, P1115S, P1125S.
Identifiers: ClinVar variation 1722052 (VCV001722052.6), dbSNP rs1253536369, ClinGen allele CA372668095.

ClinVar aggregate classification (germline): Uncertain significance. Review status: criteria provided, multiple submitters, no conflicts (2 of 4 stars). 2 submissions from 2 submitters: Uncertain significance (2). Last evaluated 2025-05-09.

Conditions:
Inborn genetic diseases. Identifiers: MedGen C0950123, MeSH D030342.
Baller-Gerold syndrome (BGS). Also called: CRANIOSYNOSTOSIS WITH RADIAL DEFECTS. Identifiers: Orphanet 1225, MedGen C0265308, MONDO:0009039, OMIM 218600.

Submissions (2):

Ambry Genetics
Classification: Uncertain significance for Inborn genetic diseases. Last evaluated: 2025-05-09. Review status: criteria provided, single submitter. Criteria: Ambry Variant Classification Scheme 2023. Collection method: clinical testing. Allele origin: germline.

Labcorp Genetics (formerly Invitae), Labcorp
Classification: Uncertain significance for Baller-Gerold syndrome. Last evaluated: 2022-10-22. Review status: criteria provided, single submitter. Criteria: Invitae Variant Classification Sherloc (09022015). Collection method: clinical testing. Allele origin: germline.
Comment: This sequence change replaces proline, which is neutral and non-polar, with serine, which is neutral and polar, at codon 1125 of the RECQL4 protein (p.Pro1125Ser). This variant is not present in population databases (gnomAD no frequency). This variant has not been reported in the literature in individuals affected with RECQL4-related conditions. Advanced modeling of protein sequence and biophysical properties (such as structural, functional, and spatial information, amino acid conservation, physicochemical variation, residue mobility, and thermodynamic stability) performed at Invitae indicates that this missense variant is not expected to disrupt RECQL4 protein function. In summary, the available evidence is currently insufficient to determine the role of this variant in disease. Therefore, it has been classified as a Variant of Uncertain Significance.